The following is an entry in ClinVar:

NM_015295.3(SMCHD1):c.3549T>G (p.Ile1183Met)

Gene: SMCHD1 (structural maintenance of chromosomes flexible hinge domain containing 1; plus strand). Cytogenetic location: 18p11.32.
Variant type: single nucleotide variant.
Coding change: c.3549T>G on transcript NM_015295.3 (MANE Select); coding-DNA position 3549, T replaced by G.
Protein change: p.Ile1183Met; replaces isoleucine 1183 with methionine.
Molecular consequence: missense variant.
Genome position (GRCh38, 1-based): chr18:2,740,737, T>G. VCF-style: chr18-2740737-T-G. GRCh37 (hg19) VCF-style: chr18-2740735-T-G.
Other names: short protein forms I1183M.
Identifiers: ClinVar variation 2712090 (VCV002712090.3), dbSNP rs932642471, ClinGen allele CA295477122.

ClinVar aggregate classification (germline): Uncertain significance (1 of 4 stars; one submission).

Conditions:
Facioscapulohumeral muscular dystrophy 2 (FSHD2). Also called: MUSCULAR DYSTROPHY, FACIOSCAPULOHUMERAL, TYPE 1B; FACIOSCAPULOHUMERAL MUSCULAR DYSTROPHY 2, DIGENIC; FSHD2, DIGENIC. Identifiers: Orphanet 269, MedGen C1834671, MONDO:0008031, OMIM 158901.

Allele frequency attached by ClinVar (database versions not stated): gnomAD 0.00001; TOPMed 0.00002.
gnomAD v4.1: 1 of 1,610,898 alleles (0.000062%); highest among the groups gnomAD compares: African/African-American, 0.0013%; no homozygotes.

Submission:

Labcorp Genetics (formerly Invitae), Labcorp
Classification: Uncertain significance for Facioscapulohumeral muscular dystrophy 2. Last evaluated: 2025-10-27. Review status: criteria provided, single submitter. Criteria: Invitae Variant Classification Sherloc (09022015). Collection method: clinical testing. Allele origin: germline.
Comment: This sequence change replaces isoleucine, which is neutral and non-polar, with methionine, which is neutral and non-polar, at codon 1183 of the SMCHD1 protein (p.Ile1183Met). This variant is not present in population databases (gnomAD no frequency). This variant has not been reported in the literature in individuals affected with SMCHD1-related conditions. ClinVar contains an entry for this variant (Variation ID: 2712090). Invitae Evidence Modeling of protein sequence and biophysical properties (such as structural, functional, and spatial information, amino acid conservation, physicochemical variation, residue mobility, and thermodynamic stability) indicates that this missense variant is not expected to disrupt SMCHD1 protein function with a negative predictive value of 80%. In summary, the available evidence is currently insufficient to determine the role of this variant in disease. Therefore, it has been classified as a Variant of Uncertain Significance.